The following is an entry in ClinVar:

NM_001128178.3(NPHP1):c.1270-1G>A

Gene: NPHP1 (nephrocystin 1; minus strand). Cytogenetic location: 2q13.
Variant type: single nucleotide variant.
Coding change: c.1270-1G>A on transcript NM_001128178.3 (MANE Select); the canonical splice acceptor site of the intron before coding-DNA position 1270, G replaced by A.
Molecular consequence: splice acceptor variant.
Genome position (GRCh38, 1-based): chr2:110,146,836, C>T on the plus strand (G>A on the coding strand, the complement: NPHP1 is on the minus strand). VCF-style: chr2-110146836-C-T. GRCh37 (hg19) VCF-style: chr2-110904413-C-T.
Other names: c.1081-1G>A (NM_001128179.3); c.1267-1G>A (NM_001374256.1); c.1270-1G>A (NM_001374257.1); c.1435-1G>A (NM_207181.4); c.1438-1G>A (NM_000272.5).
Identifiers: ClinVar variation 1076772 (VCV001076772.49), dbSNP rs376492641, ClinGen allele CA1827070.

ClinVar aggregate classification (germline): Pathogenic. Review status: criteria provided, multiple submitters, no conflicts (2 of 4 stars). 8 submissions from 8 submitters: Pathogenic (8). Last evaluated 2026-04-22.

Conditions:
Nephronophthisis. Also called: Juvenile Nephronophthisis. Identifiers: Orphanet 655, MedGen C0687120, MONDO:0019005, HP:0000090.
Joubert syndrome with renal defect. Also called: JOUBERT SYNDROME 4. Identifiers: Orphanet 220497, MedGen C1846790, MONDO:0012308, OMIM 609583.
NPHP1-related disorder. Also called: NPHP1-related condition; NPHP1-related disorders.

Allele frequency attached by ClinVar (database versions not stated): gnomAD exomes below 0.00001 and 0.00001; ExAC 0.00001; gnomAD 0.00001; TOPMed 0.00002; ESP Exome Variant Server 0.00008.

Submissions (8):

PreventionGenetics, part of Exact Sciences
Classification: Pathogenic for NPHP1-related condition. Last evaluated: 2026-04-22. Review status: criteria provided, single submitter. Criteria: ACMG Guidelines, 2015. Collection method: clinical testing. Allele origin: germline.
Comment: The NPHP1 c.1438-1G>A variant is predicted to disrupt the AG splice acceptor site and interfere with normal splicing. This variant has been reported in the compound heterozygous state in an individual with nephronophthisis-related ciliopathy (Halbritter et al. 2013. PubMed ID: 23559409). This variant is reported in 0.00088% of alleles in individuals of European (Non-Finnish) descent in gnomAD. Variants that disrupt the consensus splice acceptor site in NPHP1 are expected to be pathogenic. This variant is interpreted as pathogenic.

Labcorp Genetics (formerly Invitae), Labcorp
Classification: Pathogenic for Nephronophthisis. Last evaluated: 2025-10-27. Review status: criteria provided, single submitter. Criteria: Invitae Variant Classification Sherloc (09022015). Collection method: clinical testing. Allele origin: germline.
Comment: This sequence change affects an acceptor splice site in intron 13 of the NPHP1 gene. It is expected to disrupt RNA splicing. Variants that disrupt the donor or acceptor splice site typically lead to a loss of protein function (PMID: 16199547), and loss-of-function variants in NPHP1 are known to be pathogenic (PMID: 23559409). This variant is present in population databases (rs376492641, gnomAD 0.0009%). Disruption of this splice site has been observed in individual(s) with nephronophthisis (PMID: 23559409). In at least one individual the data is consistent with being in trans (on the opposite chromosome) from a pathogenic variant. ClinVar contains an entry for this variant (Variation ID: 1076772). Algorithms developed to predict the effect of sequence changes on RNA splicing suggest that this variant may disrupt the consensus splice site. For these reasons, this variant has been classified as Pathogenic.

GeneDx
Classification: Pathogenic. Last evaluated: 2025-06-26. Review status: criteria provided, single submitter. Criteria: GeneDx Variant Classification Process June 2021. Collection method: clinical testing. Allele origin: germline. Affected: yes.
Comment: Canonical splice site variant predicted to result in a null allele in a gene for which loss of function is a known mechanism of disease; Not observed at significant frequency in large population cohorts (gnomAD); This variant is associated with the following publications: (PMID: 31964843, 23559409)

Blueprint Genetics
Classification: Pathogenic for NPHP1-related disorders. Last evaluated: 2023-09-28. Review status: criteria provided, single submitter. Criteria: ACMG Guidelines, 2015. Collection method: clinical testing. Allele origin: germline. Affected: yes. Observed: 1 variant allele.

Baylor Genetics
Classification: Pathogenic for Joubert syndrome with renal defect. Last evaluated: 2023-03-22. Review status: criteria provided, single submitter. Criteria: ACMG Guidelines, 2015. Collection method: clinical testing. Allele origin: unknown.

Revvity Omics, Revvity
Classification: Pathogenic. Last evaluated: 2022-04-26. Review status: criteria provided, single submitter. Criteria: ACMG Guidelines, 2015. Collection method: clinical testing. Allele origin: germline.

CeGaT Center for Human Genetics Tuebingen
Classification: Pathogenic. Last evaluated: 2020-12-01. Review status: criteria provided, single submitter. Criteria: CeGaT Center For Human Genetics Tuebingen Variant Classification Criteria Version 2. Collection method: clinical testing. Allele origin: germline. Affected: yes. Observed: 1 variant allele.

Genetic Services Laboratory, University of Chicago
Classification: Pathogenic. Last evaluated: 2018-05-24. Review status: criteria provided, single submitter. Criteria: ACMG Guidelines, 2015. Collection method: clinical testing. Allele origin: germline. Affected: yes.

Literature cited by the submitters: PubMed 16199547 (cited by Labcorp Genetics (formerly Invitae), Labcorp); PubMed 23559409 (cited by Labcorp Genetics (formerly Invitae), Labcorp).